The following is an entry in ClinVar:

NM_022458.4(LMBR1):c.423+4691A>C

Genes: LMBR1 (limb development membrane protein 1; minus strand), ZRS (ZPA regulatory sequence; plus strand). Cytogenetic location: 7q36.3.
Variant type: single nucleotide variant.
Coding change: c.423+4691A>C on transcript NM_022458.4 (MANE Select); 4691 bases into the intron after coding-DNA position 423, A replaced by C.
Molecular consequence: intron variant.
Genome position (GRCh38, 1-based): chr7:156,791,698, T>G on the plus strand (A>C on the coding strand, the complement: LMBR1 is on the minus strand). VCF-style: chr7-156791698-T-G. GRCh37 (hg19) VCF-style: chr7-156584392-T-G.
Other names: c.360+4691A>C (NM_001363412.2); c.144+4691A>C (NM_001350954.2); c.423+4691A>C (NM_001363410.2, NM_001363409.2, NM_001350953.2); c.-112+4691A>C (NM_001350958.2, NM_001350956.2, NM_001350955.2 and 1 more transcripts); c.54+4691A>C (NM_001350957.2, NM_001363411.2).
Identifiers: ClinVar variation 4530987 (VCV004530987.1).
Genomic context (GRCh38, chr7:156,791,698, plus strand): 5'-TCGCTTCCACCTGGTCAGTCCAATTAATTAAGAAAGGAAGTTACCTAAAATTTTGTACTT[T>G]TTGCTTTTATTATCAGGCACTTTGTTTGAAGTTATAGGAGTTAACCTCTTAATCCTACAG-3'

ClinVar aggregate classification (germline): Uncertain significance (1 of 4 stars; one submission).

Submission:

GeneDx
Classification: Uncertain significance. Last evaluated: 2025-05-20. Review status: criteria provided, single submitter. Criteria: GeneDx Variant Classification Process June 2021. Collection method: clinical testing. Allele origin: germline. Affected: yes.
Comment: Has not been previously published as pathogenic or benign to our knowledge; No data available from control populations to assess the frequency of this variant; Located in a regulatory region; in the absence of functional studies, the actual effect of this sequence change is unknown; Also known as ZSR178